The following is an entry in ClinVar:

NM_198578.4(LRRK2):c.1630A>G (p.Lys544Glu)

Gene: LRRK2 (leucine rich repeat kinase 2; plus strand). Cytogenetic location: 12q12.
Variant type: single nucleotide variant.
Coding change: c.1630A>G on transcript NM_198578.4 (MANE Select); coding-DNA position 1630, A replaced by G.
Protein change: p.Lys544Glu; replaces lysine 544 with glutamic acid.
Molecular consequence: missense variant.
Genome position (GRCh38, 1-based): chr12:40,263,875, A>G. VCF-style: chr12-40263875-A-G. GRCh37 (hg19) VCF-style: chr12-40657677-A-G.
Other names: short protein forms K544E.
Identifiers: ClinVar variation 39138 (VCV000039138.10), dbSNP rs79996249, ClinGen allele CA343487.

ClinVar aggregate classification (germline): Uncertain significance. Review status: criteria provided, single submitter (1 of 4 stars). 2 submissions from 2 submitters: Uncertain significance (1). 1 of the submissions does not count toward it. Last evaluated 2025-12-22.

Conditions:
Autosomal dominant Parkinson disease 8. Also called: Parkinson disease 8, susceptibility to; LRRK2-Related Parkinson Disease; Parkinson disease 8. Identifiers: Orphanet 411602, MedGen C1846862, MONDO:0011764, OMIM 607060.

Allele frequency attached by ClinVar (database versions not stated): TOPMed 0.00002; gnomAD 0.00001; gnomAD exomes 0.00001.
gnomAD v4.1: 11 of 1,612,188 alleles (0.00068%); highest among the groups gnomAD compares: Admixed American, 0.0033%; no homozygotes.

Submissions (2):

Labcorp Genetics (formerly Invitae), Labcorp
Classification: Uncertain significance for Autosomal dominant Parkinson disease 8. Last evaluated: 2025-12-22. Review status: criteria provided, single submitter. Criteria: Invitae Variant Classification Sherloc (09022015). Collection method: clinical testing. Allele origin: germline.
Comment: This sequence change replaces lysine, which is basic and polar, with glutamic acid, which is acidic and polar, at codon 544 of the LRRK2 protein (p.Lys544Glu). This variant is present in population databases (rs79996249, gnomAD 0.006%). This missense change has been observed in individual(s) with Parkinson disease (PMID: 17222106, 21885347). ClinVar contains an entry for this variant (Variation ID: 39138). Invitae Evidence Modeling of protein sequence and biophysical properties (such as structural, functional, and spatial information, amino acid conservation, physicochemical variation, residue mobility, and thermodynamic stability) has been performed for this missense variant. However, the output from this modeling did not meet the statistical confidence thresholds required to predict the impact of this variant on LRRK2 protein function. Experimental studies have shown that this missense change does not substantially affect LRRK2 function (PMID: 20642453, 27832104). In summary, the available evidence is currently insufficient to determine the role of this variant in disease. Therefore, it has been classified as a Variant of Uncertain Significance.

GeneReviews
No classification provided. Condition: Autosomal dominant Parkinson disease 8. Review status: no classification provided. Collection method: literature only. Allele origin: unknown. Not counted in ClinVar's aggregate classification.

Literature cited by the submitters: PubMed 17222106 (cited by Labcorp Genetics (formerly Invitae), Labcorp); PubMed 21885347 (cited by Labcorp Genetics (formerly Invitae), Labcorp); PubMed 20642453 (cited by Labcorp Genetics (formerly Invitae), Labcorp); PubMed 27832104 (cited by Labcorp Genetics (formerly Invitae), Labcorp); PubMed 20301387 (cited by GeneReviews); NCBI Bookshelf NBK1208 (cited by GeneReviews).